The following is an entry in ClinVar:

NM_020778.5(ALPK3):c.2158A>T (p.Met720Leu)

Gene: ALPK3 (alpha kinase 3; plus strand). Cytogenetic location: 15q25.3.
Variant type: single nucleotide variant.
Coding change: c.2158A>T on transcript NM_020778.5 (MANE Select); coding-DNA position 2158, A replaced by T.
Protein change: p.Met720Leu; replaces methionine 720 with leucine.
Molecular consequence: missense variant.
Genome position (GRCh38, 1-based): chr15:84,856,896, A>T. VCF-style: chr15-84856896-A-T. GRCh37 (hg19) VCF-style: chr15-85400127-A-T.
Other names: short protein forms M720L.
Identifiers: ClinVar variation 2624486 (VCV002624486.5), dbSNP rs142214001, ClinGen allele CA7709351.

ClinVar aggregate classification (germline): Uncertain significance. Review status: criteria provided, multiple submitters, no conflicts (2 of 4 stars). 2 submissions from 2 submitters: Uncertain significance (2). Last evaluated 2023-07-10.

Conditions:
Cardiovascular phenotype. Identifiers: MedGen CN230736.

Allele frequency attached by ClinVar (database versions not stated): ESP Exome Variant Server 0.00008.

Submissions (2):

Ambry Genetics
Classification: Uncertain significance for Cardiovascular phenotype. Last evaluated: 2023-07-10. Review status: criteria provided, single submitter. Criteria: Ambry Variant Classification Scheme 2023. Collection method: clinical testing. Allele origin: germline.
Comment: The p.M922L variant (also known as c.2764A>T), located in coding exon 6 of the ALPK3 gene, results from an A to T substitution at nucleotide position 2764. The methionine at codon 922 is replaced by leucine, an amino acid with highly similar properties. This amino acid position is conserved. In addition, this alteration is predicted to be tolerated by in silico analysis. Since supporting evidence is limited at this time, the clinical significance of this alteration remains unclear.

Labcorp Genetics (formerly Invitae), Labcorp
Classification: Uncertain significance. Last evaluated: 2023-02-09. Review status: criteria provided, single submitter. Criteria: Invitae Variant Classification Sherloc (09022015). Collection method: clinical testing. Allele origin: germline.
Comment: This variant has not been reported in the literature in individuals affected with ALPK3-related conditions. This sequence change replaces methionine, which is neutral and non-polar, with leucine, which is neutral and non-polar, at codon 922 of the ALPK3 protein (p.Met922Leu). This variant is not present in population databases (gnomAD no frequency). Advanced modeling of protein sequence and biophysical properties (such as structural, functional, and spatial information, amino acid conservation, physicochemical variation, residue mobility, and thermodynamic stability) performed at Invitae indicates that this missense variant is not expected to disrupt ALPK3 protein function. In summary, the available evidence is currently insufficient to determine the role of this variant in disease. Therefore, it has been classified as a Variant of Uncertain Significance.